The following is an entry in ClinVar:

NM_014927.5(CNKSR2):c.607T>C (p.Ser203Pro)

Gene: CNKSR2 (connector enhancer of kinase suppressor of Ras 2; plus strand). Cytogenetic location: Xp22.12.
Variant type: single nucleotide variant.
Coding change: c.607T>C on transcript NM_014927.5 (MANE Select); coding-DNA position 607, T replaced by C.
Protein change: p.Ser203Pro; replaces serine 203 with proline.
Molecular consequence: missense variant.
Genome position (GRCh38, 1-based): chrX:21,490,504, T>C. VCF-style: chrX-21490504-T-C. GRCh37 (hg19) VCF-style: chrX-21508622-T-C.
Other names: c.607T>C, p.Ser203Pro (NM_001168647.3, NM_001168648.3, NM_001168649.3 and 4 more transcripts); short protein forms S203P.
Identifiers: ClinVar variation 3384469 (VCV003384469.1).

ClinVar aggregate classification (germline): Uncertain significance (1 of 4 stars; one submission).

gnomAD v4.1: 2 of 1,209,210 alleles (0.00017%); highest among the groups gnomAD compares: East Asian, 0.003%; no homozygotes.

Submission:

GeneDx
Classification: Uncertain significance. Last evaluated: 2024-06-03. Review status: criteria provided, single submitter. Criteria: GeneDx Variant Classification Process June 2021. Collection method: clinical testing. Allele origin: germline. Affected: yes.
Comment: Not observed at significant frequency in large population cohorts (gnomAD); In silico analysis supports that this missense variant has a deleterious effect on protein structure/function; Has not been previously published as pathogenic or benign to our knowledge